The following is an entry in ClinVar:

NM_030762.3(BHLHE41):c.844C>T (p.Leu282=)

Genes: BHLHE41 (basic helix-loop-helix family member e41; minus strand), SSPN (sarcospan; plus strand). Cytogenetic location: 12p12.1.
Variant type: single nucleotide variant.
Coding change: c.844C>T on transcript NM_030762.3 (MANE Select); coding-DNA position 844, C replaced by T.
Protein change: p.Leu282=; no amino-acid change (leucine 282 retained).
Molecular consequence: synonymous variant.
Genome position (GRCh38, 1-based): chr12:26,122,671, G>A on the plus strand (C>T on the coding strand, the complement: BHLHE41 is on the minus strand). VCF-style: chr12-26122671-G-A. GRCh37 (hg19) VCF-style: chr12-26275604-G-A.
Identifiers: ClinVar variation 3046538 (VCV003046538.2), dbSNP rs550663067, ClinGen allele CA6487640.
Genomic context (GRCh38, chr12:26,122,671, plus strand): 5'-CTGCCGCCGCCGCCGCGCCGCCCCCCGGGCCGCCGCCGCTGCCGCCGCCGCGGGAATCCA[G>A]CTTCATCCTCTTGGGCGCCGGCGAGTCCTCCCCGGGAGGCTCCTGCTTGATGGTGACGCG-3'
Protein context (NP_110389.1, residues 272-292): EDSPAPKRMK[Leu282=]DSRGGGSGGG

ClinVar aggregate classification (germline): Likely benign (0 of 4 stars; one submission).

Conditions:
BHLHE41-related disorder. Also called: BHLHE41-related condition.

Allele frequency attached by ClinVar (database versions not stated): gnomAD 0.00004; ExAC 0.00030; 1000 Genomes Project 30x 0.00031; 1000 Genomes Project 0.00040.
gnomAD v4.1: 160 of 1,532,020 alleles (0.01%); highest among the groups gnomAD compares: South Asian, 0.12%; 2 homozygotes.

Submission:

PreventionGenetics, part of Exact Sciences
Classification: Likely benign for BHLHE41-related condition. Last evaluated: 2019-04-12. Review status: no assertion criteria provided. Collection method: clinical testing. Allele origin: germline.
Comment: This variant is classified as likely benign based on ACMG/AMP sequence variant interpretation guidelines (Richards et al. 2015 PMID: 25741868, with internal and published modifications).